The following is an entry in ClinVar:

ClinVar aggregate classification (germline): Benign/Likely benign. Review status: criteria provided, multiple submitters, no conflicts (2 of 4 stars). 5 submissions from 5 submitters: Benign (2); Likely benign (3). Last evaluated 2025-10-13.

Conditions:
Tuberous sclerosis 2 (TSC2). Identifiers: Orphanet 805, MedGen C1860707, MONDO:0013199, OMIM 613254.
Hereditary cancer-predisposing syndrome. Also called: Hereditary Cancer Syndrome; Hereditary neoplastic syndrome; Neoplastic Syndromes, Hereditary; Tumor predisposition. Identifiers: Orphanet 140162, MedGen C0027672, MeSH D009386, MONDO:0015356.

gnomAD v4.1: 1 of 1,612,882 alleles (0.000062%); no homozygotes.

Submissions (5):

Labcorp Genetics (formerly Invitae), Labcorp
Classification: Likely benign for Tuberous sclerosis 2. Last evaluated: 2025-10-13. Review status: criteria provided, single submitter. Criteria: Invitae Variant Classification Sherloc (09022015). Collection method: clinical testing. Allele origin: germline.

Myriad Genetics, Inc.
Classification: Benign for Tuberous sclerosis 2. Last evaluated: 2025-06-06. Review status: criteria provided, single submitter. Criteria: Myriad Autosomal Dominant, Autosomal Recessive and X-Linked Classification Criteria (2023). Collection method: clinical testing. Allele origin: unknown.
Comment: This variant is considered benign. This variant is a silent/synonymous amino acid change and it is not expected to impact splicing.

Ambry Genetics
Classification: Likely benign for Hereditary cancer-predisposing syndrome. Last evaluated: 2023-09-01. Review status: criteria provided, single submitter. Criteria: Ambry Variant Classification Scheme 2023. Collection method: clinical testing. Allele origin: germline.

Genome-Nilou Lab
Classification: Benign for Tuberous sclerosis 2. Last evaluated: 2021-11-07. Review status: criteria provided, single submitter. Criteria: ACMG Guidelines, 2015. Collection method: clinical testing. Allele origin: germline. Affected: no.

GeneDx
Classification: Likely benign. Last evaluated: 2019-05-13. Review status: criteria provided, single submitter. Criteria: GeneDx Variant Classification Process June 2021. Collection method: clinical testing. Allele origin: germline. Affected: yes.

NM_000548.5(TSC2):c.5316C>G (p.Ser1772=)

Gene: TSC2 (TSC complex subunit 2; plus strand). Cytogenetic location: 16p13.3.
Variant type: single nucleotide variant.
Coding change: c.5316C>G on transcript NM_000548.5 (MANE Select); coding-DNA position 5316, C replaced by G.
Protein change: p.Ser1772=; no amino-acid change (serine 1772 retained).
Molecular consequence: synonymous variant.
Genome position (GRCh38, 1-based): chr16:2,088,502, C>G. VCF-style: chr16-2088502-C-G. GRCh37 (hg19) VCF-style: chr16-2138503-C-G.
Other names: c.5115C>G, p.Ser1705= (NM_001077183.3); c.5247C>G, p.Ser1749= (NM_001114382.3); c.5007C>G, p.Ser1669= (NM_001318827.2); c.4971C>G, p.Ser1657= (NM_001318829.2); c.4584C>G, p.Ser1528= (NM_001318831.2); c.5148C>G, p.Ser1716= (NM_001318832.2); c.5118C>G, p.Ser1706= (NM_001363528.2); c.5184C>G, p.Ser1728= (NM_001370404.1); and 2 more.
Identifiers: ClinVar variation 1148037 (VCV001148037.16), dbSNP rs2151639594, ClinGen allele CA493043702.
Genomic context (GRCh38, chr16:2,088,502, plus strand): 5'-TCAGATCTGCGAGGAAGCCGCCTACTCCAACCCCAGCCTACCTCTGGTGCACCCTCCGTC[C>G]CATAGCAAAGCCCCTGCACAGACTCCAGCCGAGCCCACACCTGGCTATGAGGTGGGCCAG-3'
Protein context (NP_000539.2, residues 1762-1782): NPSLPLVHPP[Ser1772=]HSKAPAQTPA